The following is an entry in ClinVar:

ClinVar aggregate classification (germline): Uncertain significance (1 of 4 stars; one submission).

Conditions:
Cardiovascular phenotype. Identifiers: MedGen CN230736.

gnomAD v4.1: 1 of 1,613,510 alleles (0.000062%); no homozygotes.

Submission:

Molecular Diagnostic Laboratory for Inherited Cardiovascular Disease, Montreal Heart Institute
Classification: Uncertain significance for Cardiovascular phenotype. Last evaluated: 2025-04-09. Review status: criteria provided, single submitter. Criteria: ACMG Guidelines, 2015. Collection method: clinical testing. Allele origin: germline. Affected: yes.
Comment: PVS1_mod, PM2, BP5

NM_001267550.2(TTN):c.30539-3C>A

Gene: TTN (titin; minus strand). Cytogenetic location: 2q31.2.
Variant type: single nucleotide variant.
Coding change: c.30539-3C>A on transcript NM_001267550.2 (MANE Select); 3 bases into the intron before coding-DNA position 30539, C replaced by A.
Molecular consequence: intron variant.
Genome position (GRCh38, 1-based): chr2:178,701,590, G>T on the plus strand (C>A on the coding strand, the complement: TTN is on the minus strand). VCF-style: chr2-178701590-G-T. GRCh37 (hg19) VCF-style: chr2-179566317-G-T.
Other names: c.13282+36492C>A (NM_003319.4); c.13858+36492C>A (NM_133437.4); c.13657+36492C>A (NM_133432.3); c.26807-3C>A (NM_133378.4); c.29588-3C>A (NM_001256850.1).
Identifiers: ClinVar variation 3894782 (VCV003894782.1).